The following is an entry in ClinVar:

ClinVar aggregate classification (germline): Likely pathogenic (1 of 4 stars; one submission).

Conditions:
Developmental delay, impaired speech, and behavioral abnormalities. Identifiers: MedGen C5561957, MONDO:0859178, OMIM 619475.

Submission:

Laboratorio de Genetica e Diagnostico Molecular, Hospital Israelita Albert Einstein
Classification: Likely pathogenic for Developmental delay, impaired speech, and behavioral abnormalities. Last evaluated: 2021-12-28. Review status: criteria provided, single submitter. Criteria: ACMG Guidelines, 2015. Collection method: clinical testing. Allele origin: germline. Affected: yes.
Comment: ACMG classification criteria: PVS1 very strong, PM2 moderate

NM_003128.3(SPTBN1):c.3510_3529dup (p.Asp1177fs)

Gene: SPTBN1 (spectrin beta, non-erythrocytic 1; plus strand). Cytogenetic location: 2p16.2.
Variant type: Duplication.
Coding change: c.3510_3529dup on transcript NM_003128.3 (MANE Select); coding-DNA positions 3510 to 3529, 20 bases duplicated (CTACCAGCAGTTCCTCAGAG).
Protein change: p.Asp1177fs; shifts the reading frame from aspartic acid 1177.
Molecular consequence: frameshift variant.
Genome position (GRCh38, 1-based): chr2:54,631,557-54,631,576, CTACCAGCAGTTCCTCAGAG duplicated. VCF-style (leftmost placement, unchanged base first): chr2-54631556-C-CCTACCAGCAGTTCCTCAGAG. GRCh37 (hg19) VCF-style: chr2-54858693-C-CCTACCAGCAGTTCCTCAGAG.
Other names: c.3471_3490dup, p.Asp1164fs (NM_178313.3); short protein forms D1164fs, D1177fs.
Identifiers: ClinVar variation 1683604 (VCV001683604.2), dbSNP rs2103942370, ClinGen allele CA2573134997.